The following is an entry in ClinVar:

NM_020975.6(RET):c.760G>C (p.Val254Leu)

Gene: RET (ret proto-oncogene; plus strand). Cytogenetic location: 10q11.21.
Variant type: single nucleotide variant.
Coding change: c.760G>C on transcript NM_020975.6 (MANE Select); coding-DNA position 760, G replaced by C.
Protein change: p.Val254Leu; replaces valine 254 with leucine.
Molecular consequence: missense variant.
Genome position (GRCh38, 1-based): chr10:43,105,086, G>C. VCF-style: chr10-43105086-G-C. GRCh37 (hg19) VCF-style: chr10-43600534-G-C.
Other names: c.760G>C, p.Val254Leu (NM_000323.2, NM_001406743.1, NM_001406744.1 and 8 more transcripts); c.-3G>C (NM_001355216.2); c.631G>C, p.Val211Leu (NM_001406761.1, NM_001406762.1, NM_001406764.1 and 2 more transcripts); c.472G>C, p.Val158Leu (NM_001406766.1, NM_001406767.1, NM_001406770.1); short protein forms V254L, V158L, V211L.
Identifiers: ClinVar variation 1040003 (VCV001040003.12), dbSNP rs554862459, ClinGen allele CA376544909.

ClinVar aggregate classification (germline): Conflicting classifications of pathogenicity. Review status: criteria provided, conflicting classifications (1 of 4 stars). 2 submissions from 2 submitters: Uncertain significance (1); Likely benign (1). Last evaluated 2026-08-28.

Conditions:
Hereditary cancer-predisposing syndrome. Also called: Tumor predisposition; Hereditary Cancer Syndrome; Hereditary neoplastic syndrome; Neoplastic Syndromes, Hereditary. Identifiers: Orphanet 140162, MedGen C0027672, MeSH D009386, MONDO:0015356.
Multiple endocrine neoplasia, type 2 (MEN2). Identifiers: Orphanet 653, MedGen C4048306, MONDO:0019003. Disease mechanism: gain of function.

Submissions (2):

Ambry Genetics
Classification: Likely benign for Hereditary cancer-predisposing syndrome. Last evaluated: 2026-08-28. Review status: criteria provided, single submitter. Criteria: Ambry Variant Classification Scheme 2023. Collection method: clinical testing. Allele origin: germline.

Labcorp Genetics (formerly Invitae), Labcorp
Classification: Uncertain significance for Multiple endocrine neoplasia, type 2. Last evaluated: 2026-01-11. Review status: criteria provided, single submitter. Criteria: Invitae Variant Classification Sherloc (09022015). Collection method: clinical testing. Allele origin: germline.
Comment: This sequence change replaces valine, which is neutral and non-polar, with leucine, which is neutral and non-polar, at codon 254 of the RET protein (p.Val254Leu). This variant is not present in population databases (gnomAD no frequency). This variant has not been reported in the literature in individuals affected with RET-related conditions. ClinVar contains an entry for this variant (Variation ID: 1040003). An algorithm developed to predict the effect of missense changes on protein structure and function (PolyPhen-2) suggests that this variant is likely to be tolerated. In summary, the available evidence is currently insufficient to determine the role of this variant in disease. Therefore, it has been classified as a Variant of Uncertain Significance.